The following is an entry in ClinVar:

NM_001182.5(ALDH7A1):c.*68A>G

Gene: ALDH7A1 (aldehyde dehydrogenase 7 family member A1; minus strand). Cytogenetic location: 5q23.2.
Variant type: single nucleotide variant.
Coding change: c.*68A>G on transcript NM_001182.5 (MANE Select); 68 bases downstream of the stop codon, A replaced by G.
Molecular consequence: 3 prime UTR variant.
Genome position (GRCh38, 1-based): chr5:126,544,897, T>C on the plus strand (A>G on the coding strand, the complement: ALDH7A1 is on the minus strand). VCF-style: chr5-126544897-T-C. GRCh37 (hg19) VCF-style: chr5-125880589-T-C.
Other names: c.*68A>G (NM_001201377.2, NM_001202404.2).
Identifiers: ClinVar variation 350580 (VCV000350580.10), dbSNP rs2775, ClinGen allele CA10622348.

ClinVar aggregate classification (germline): Benign. Review status: criteria provided, multiple submitters, no conflicts (2 of 4 stars). 4 submissions from 4 submitters: Benign (4). Last evaluated 2024-07-15.

Conditions:
Pyridoxine-dependent epilepsy (EPEO4). Also called: Pyridoxine-Dependent Epilepsy - ALDH7A1; PYRIDOXINE DEPENDENCY WITH SEIZURES; EPILEPSY, EARLY-ONSET, 4, VITAMIN B6-DEPENDENT; Pyridoxine-Dependent Seizures. Identifiers: Orphanet 3006, MedGen C1849508, MONDO:0009945, OMIM 266100. Disease mechanism: loss of function.

Allele frequency attached by ClinVar (database versions not stated): TOPMed 0.40613; 1000 Genomes Project 30x 0.35884; ESP Exome Variant Server 0.43430; 1000 Genomes Project 0.36062; gnomAD 0.41989 and 0.42285.
gnomAD v4.1: 621,524 of 1,375,010 alleles (45%); highest among the groups gnomAD compares: Non-Finnish European, 48%; 143,319 homozygotes.

Submissions (4):

Unidad de Genómica Garrahan, Hospital de Pediatría Garrahan
Classification: Benign. Last evaluated: 2024-07-15. Review status: criteria provided, single submitter. Criteria: ACMG Guidelines, 2015. Collection method: clinical testing. Allele origin: germline. Affected: no. Observed: 57 variant alleles.
Comment: This variant is classified as Benign based on local population frequency. This variant was detected in 61% of patients studied in a panel designed for Epileptic and Developmental Encephalopathy and Progressive Myoclonus Epilepsy. Number of patients: 57. Only high quality variants are reported.

Genome-Nilou Lab
Classification: Benign for Pyridoxine-dependent epilepsy. Last evaluated: 2021-07-14. Review status: criteria provided, single submitter. Criteria: ACMG Guidelines, 2015. Collection method: clinical testing. Allele origin: germline. Affected: no.

GeneDx
Classification: Benign. Last evaluated: 2018-06-14. Review status: criteria provided, single submitter. Criteria: GeneDx Variant Classification Process June 2021. Collection method: clinical testing. Allele origin: germline. Affected: yes.

Illumina Laboratory Services, Illumina
Classification: Benign for Pyridoxine-dependent epilepsy. Last evaluated: 2018-01-13. Review status: criteria provided, single submitter. Criteria: ICSL Variant Classification Criteria 13 December 2019. Collection method: clinical testing. Allele origin: germline.
Comment: This variant was observed in the ICSL laboratory as part of a predisposition screen in an ostensibly healthy population. It had not been previously curated by ICSL or reported in the Human Gene Mutation Database (HGMD: prior to June 1st, 2018), and was therefore a candidate for classification through an automated scoring system. Utilizing variant allele frequency, disease prevalence and penetrance estimates, and inheritance mode, an automated score was calculated to assess if this variant is too frequent to cause the disease. Based on the score and internal cut-off values, a variant classified as benign is not then subjected to further curation. The score for this variant resulted in a classification of benign for this disease.